The following is an entry in ClinVar:

ClinVar aggregate classification (germline): Uncertain significance. Review status: criteria provided, multiple submitters, no conflicts (2 of 4 stars). 3 submissions from 3 submitters: Uncertain significance (3). Last evaluated 2026-02-18.

Conditions:
Hereditary cancer-predisposing syndrome. Also called: Neoplastic Syndromes, Hereditary; Hereditary Cancer Syndrome; Tumor predisposition; Hereditary neoplastic syndrome. Identifiers: Orphanet 140162, MedGen C0027672, MeSH D009386, MONDO:0015356.
Birt-Hogg-Dube syndrome. Also called: Birt Hogg Dubé syndrome. Identifiers: Orphanet 122, MedGen C0346010, MONDO:0800444.

Allele frequency attached by ClinVar (database versions not stated): TOPMed below 0.00001; gnomAD 0.00001.

Submissions (3):

Dasa
Classification: Uncertain significance. Last evaluated: 2026-02-18. Review status: criteria provided, single submitter. Criteria: DASA Assertion Criteria. Collection method: clinical testing. Allele origin: germline.
Comment: NM_144997.7(FLCN):c.989C>T (p.Ser330Phe) is a missense variant that results in the substitution of serine with phenylalanine. This variant is rare in population databases. The currently available literature and clinical evidence are not sufficient to establish a definitive association between this variant and the reported condition. Therefore, this variant is classified as a variant of uncertain significance.

Labcorp Genetics (formerly Invitae), Labcorp
Classification: Uncertain significance for Birt-Hogg-Dube syndrome. Last evaluated: 2026-01-17. Review status: criteria provided, single submitter. Criteria: Invitae Variant Classification Sherloc (09022015). Collection method: clinical testing. Allele origin: germline.
Comment: This sequence change replaces serine, which is neutral and polar, with phenylalanine, which is neutral and non-polar, at codon 330 of the FLCN protein (p.Ser330Phe). This variant is present in population databases (no rsID available, gnomAD 0.003%). This variant has not been reported in the literature in individuals affected with FLCN-related conditions. ClinVar contains an entry for this variant (Variation ID: 1372320). Invitae Evidence Modeling of protein sequence and biophysical properties (such as structural, functional, and spatial information, amino acid conservation, physicochemical variation, residue mobility, and thermodynamic stability) indicates that this missense variant is not expected to disrupt FLCN protein function with a negative predictive value of 80%. In summary, the available evidence is currently insufficient to determine the role of this variant in disease. Therefore, it has been classified as a Variant of Uncertain Significance.

Ambry Genetics
Classification: Uncertain significance for Hereditary cancer-predisposing syndrome. Last evaluated: 2025-05-27. Review status: criteria provided, single submitter. Criteria: Ambry Variant Classification Scheme 2023. Collection method: clinical testing. Allele origin: germline.
Comment: The p.S330F variant (also known as c.989C>T), located in coding exon 6 of the FLCN gene, results from a C to T substitution at nucleotide position 989. The serine at codon 330 is replaced by phenylalanine, an amino acid with highly dissimilar properties. This amino acid position is highly conserved in available vertebrate species. In addition, the in silico prediction for this alteration is inconclusive. Based on the available evidence, the clinical significance of this variant remains unclear.

NM_144997.7(FLCN):c.989C>T (p.Ser330Phe)

Gene: FLCN (folliculin; minus strand). Cytogenetic location: 17p11.2.
Variant type: single nucleotide variant.
Coding change: c.989C>T on transcript NM_144997.7 (MANE Select); coding-DNA position 989, C replaced by T.
Protein change: p.Ser330Phe; replaces serine 330 with phenylalanine.
Molecular consequence: missense variant.
Genome position (GRCh38, 1-based): chr17:17,219,092, G>A on the plus strand (C>T on the coding strand, the complement: FLCN is on the minus strand). VCF-style: chr17-17219092-G-A. GRCh37 (hg19) VCF-style: chr17-17122406-G-A.
Other names: c.1043C>T, p.Ser348Phe (NM_001353229.2); c.989C>T, p.Ser330Phe (NM_001353230.2, NM_001353231.2); c.989C>T (NM_144997.5); short protein forms S348F, S330F.
Identifiers: ClinVar variation 1372320 (VCV001372320.10), dbSNP rs1337576606, ClinGen allele CA398532861.